The following is an entry in ClinVar:

NM_030632.3(ASXL3):c.989C>G (p.Pro330Arg)

Gene: ASXL3 (ASXL transcriptional regulator 3; plus strand). Cytogenetic location: 18q12.1.
Variant type: single nucleotide variant.
Coding change: c.989C>G on transcript NM_030632.3 (MANE Select); coding-DNA position 989, C replaced by G.
Protein change: p.Pro330Arg; replaces proline 330 with arginine.
Molecular consequence: missense variant.
Genome position (GRCh38, 1-based): chr18:33,734,322, C>G. VCF-style: chr18-33734322-C-G. GRCh37 (hg19) VCF-style: chr18-31314286-C-G.
Other names: short protein forms P330R.
Identifiers: ClinVar variation 4082687 (VCV004082687.1).
Genomic context (GRCh38, chr18:33,734,322, plus strand): 5'-CAAAAGATGTGACCACATTTATTCAATACATTAGCATTTTCTTTTTAGGAGAGTTTACCC[C>G]AGAAATGCAGTTGCGGATAAGGCAAGAAATTGAGAAGGAAAAGAAAACAGAACCTTGGAA-3'
Protein context (NP_085135.1, residues 320-340): KQRLAEGEFT[Pro330Arg]EMQLRIRQEI

ClinVar aggregate classification (germline): Uncertain significance (1 of 4 stars; one submission).

Submission:

GeneDx
Classification: Uncertain significance. Last evaluated: 2025-03-03. Review status: criteria provided, single submitter. Criteria: GeneDx Variant Classification Process June 2021. Collection method: clinical testing. Allele origin: germline. Affected: yes.
Comment: Not observed at significant frequency in large population cohorts (gnomAD); In silico analysis supports that this missense variant has a deleterious effect on protein structure/function; Has not been previously published as pathogenic or benign to our knowledge